The following is an entry in ClinVar:

ClinVar aggregate classification (germline): Likely pathogenic. Review status: reviewed by expert panel (3 of 4 stars). 11 submissions from 11 submitters: Likely pathogenic (1). 10 of the submissions do not count toward it. Last evaluated 2023-12-19.

Conditions:
GAA-related disorder. Also called: GAA-related condition.
Glycogen storage disease, type II (IOPD). Also called: Glycogen storage disease type 2; Acid maltase deficiency disease; Aglucosidase alfa; Deficiency of alpha-glucosidase; Deficiency of lysosomal alpha-glucosidase; Pompe Disease. Identifiers: Orphanet 365, MedGen C0017921, MONDO:0009290, OMIM 232300.

Allele frequency attached by ClinVar (database versions not stated): gnomAD 0.00001; gnomAD exomes 0.00001; ExAC 0.00002; TOPMed 0.00004; 1000 Genomes Project 0.00020; 1000 Genomes Project 30x 0.00031.

Submissions 1 to 8 of 11:

ClinGen Lysosomal Storage Disorder Variant Curation Expert Panel
Classification: Likely pathogenic for Glycogen storage disease, type II. Last evaluated: 2023-12-19. Review status: reviewed by expert panel. Criteria: clingen_lsd_acmg_specifications_v2-1. Collection method: curation. Allele origin: germline. Inheritance: Autosomal recessive inheritance.
Comment: The NM_000152.5:c.671G>A variant in GAA is a missense variant predicted to cause substitution of arginine by glutamine at amino acid 224 (p.Arg224Gln). This variant has been reported in one individual with documented GAA deficiency (PMID: 23000108), meeting criteria for PP4_moderate. This individual is compound heterozygous for the variant and a pathogenic variant based on the ClinGen LSD VCEP's specifications. It has also been reported in two individuals described as having late-onset Pompe disease diagnosed after positive newborn screening in Taiwan, though no phenotype is reported. One individual is compound heterozygous for the variant and a pathogenic variant based on the ClinGen LSD VCEP's specifications (PM3) and the other is compound heterozygous for the variant and a pathogenic or likely pathogenic variant that has not been assessed according to the ClinGen LSD VCEP's specifications. The highest population minor allele frequency in gnomAD is 0.00004 (3/74944 alleles) in the African/African-American population, which is lower than the ClinGen LSD VCEP threshold (<0.001) for PM2, meeting this criterion. When expressed in COS cells, this variant was classified as Class B ("potentially less severe") by Kroos et al, 2012 (PMID:22644586). This includes 0.7% GAA activity in cells and 0.1% in medium, and evidence of abnormal synthesis and processing on Western blot. This meets the ClinGen LSD VCEP specifications for PS3. The computational predictor REVEL gives a score of 0.757 which is above the threshold of 0.7, evidence that correlates with impact to GAA function (PP3). Another missense variant [c.670C>T, p.Arg224Trp] [ClinVar Variation ID:186994] in the same codon has been classified as pathogenic for Pompe disease by the ClinGen Lysosomal Diseases VCEP (PM5). There is a ClinVar entry for this variant (Variation ID: 646875, 2-star review status) with 5 submitters classifying the variant as likely pathogenic (3) or pathogenic (2). In summary, this variant meets the criteria to be classified as likely pathogenic for Pompe disease based on the ACMG/AMP criteria applied, as specified by the ClinGen Lysosomal Diseases Variant Curation Expert panel (specifications Version 2.0): PP4_moderate, PM3, PM2_supporting, PS3_moderate, PP3, PM5 (Classification approved by the ClinGen Lysosomal Diseases Variant Curation Expert Panel on December 20, 2023).

Genomenon, Inc
Classification: Likely pathogenic for Glycogen storage disease, type II. Last evaluated: 2026-07-01. Review status: criteria provided, single submitter. Criteria: Genomenon Sequence Variant Interpretation Standards - Updated. Collection method: curation. Allele origin: germline. Affected: yes. Not counted in ClinVar's aggregate classification.
Comment: GAA p.Arg224Gln (c.671G>A) is a missense variant that changes the amino acid at codon 224 from Arginine to Glutamine. This variant has been observed in at least one proband with a GAA-related disorder in the compound heterozygous and/or homozygous state (PMID:23000108;22002441). At least one functional study has demonstrated a substantial alteration in protein function relative to the wild-type (PMID:22644586;23000108). It is absent or not present at a significant frequency in gnomAD. In silico models predict that this variant is possibly or probably damaging. In conclusion, we classify GAA p.Arg224Gln (c.671G>A) as a likely pathogenic variant.

Labcorp Genetics (formerly Invitae), Labcorp
Classification: Pathogenic for Glycogen storage disease, type II. Last evaluated: 2026-01-14. Review status: criteria provided, single submitter. Criteria: Invitae Variant Classification Sherloc (09022015). Collection method: clinical testing. Allele origin: germline. Not counted in ClinVar's aggregate classification.
Comment: This sequence change replaces arginine, which is basic and polar, with glutamine, which is neutral and polar, at codon 224 of the GAA protein (p.Arg224Gln). This variant is present in population databases (rs200210219, gnomAD 0.008%). This missense change has been observed in individual(s) with Pompe disease (PMID: 23000108). ClinVar contains an entry for this variant (Variation ID: 664582). Invitae Evidence Modeling of protein sequence and biophysical properties (such as structural, functional, and spatial information, amino acid conservation, physicochemical variation, residue mobility, and thermodynamic stability) indicates that this missense variant is expected to disrupt GAA protein function with a positive predictive value of 95%. Experimental studies have shown that this missense change affects GAA function (PMID: 22644586, 23000108). This variant disrupts the p.Arg224 amino acid residue in GAA. Other variant(s) that disrupt this residue have been determined to be pathogenic (PMID: 8429042, 12923862, 14643388, 25026126). This suggests that this residue is clinically significant, and that variants that disrupt this residue are likely to be disease-causing. For these reasons, this variant has been classified as Pathogenic.

Natera, Inc.
Classification: Likely pathogenic for Glycogen storage disease type II. Last evaluated: 2025-09-09. Review status: criteria provided, single submitter. Criteria: Natera Variant Classification Schema (03/2026). Collection method: clinical testing. Allele origin: germline. Not counted in ClinVar's aggregate classification.
Comment: The c.671G>A variant in GAA is a missense variant predicted to cause substitution of arginine to glutamine at amino acid 224. This variant is rare in the general population with a frequency below the threshold expected for the associated phenotype(s). This variant has been observed in one or more individuals affected with the associated recessive disease, as either homozygous or compound heterozygous with a second variant (PMID: 23000108). Functional studies show that this variant may disrupt protein function (PMID: 23000108). A different variant at the same position has been determined to be Pathogenic or Likely Pathogenic. Computational prediction algorithms indicate this variant is likely to affect gene or protein function. Given the available evidence, this variant is classified as Likely Pathogenic.

PreventionGenetics, part of Exact Sciences
Classification: Likely pathogenic for GAA-related condition. Last evaluated: 2025-06-13. Review status: criteria provided, single submitter. Criteria: ACMG Guidelines, 2015. Collection method: clinical testing. Allele origin: germline. Not counted in ClinVar's aggregate classification.
Comment: The GAA c.671G>A variant is predicted to result in the amino acid substitution p.Arg224Gln. This variant has been reported in individuals with clinical and biochemical characteristics consistent with Pompe disease (Lin et al. 2010. PubMed ID: 21488293; Wens et al. 2012. PubMed ID: 23000108; Table S2, Liao et al. 2017. PubMed ID: 28450385; Lee et al. 2022. PubMed ID: 34995642). In vitro functional studies demonstrate expression of this variant in different cell lines results in significantly decreased GAA enzyme activity (Kroos et al. 2012. PubMed ID: 22644586). This variant is reported in 0.0081% of alleles in individuals of African descent in gnomAD, and has been classified as likely pathogenic by the ClinGen Lysosomal Storage Disorder Variant Curation Expert Panel. Additionally, different missense changes impacting the same amino acid (p.Arg224Trp and p.Arg224Pro) have also been reported in individuals with Pompe disease, suggesting the p.Arg224 residue is important for GAA function (Pittis et al. 2003. PubMed ID: 12923862; Lin et al. 2010. PubMed ID: 21488293). Taken together, the c.671G>A (p.Arg224Gln) variant is interpreted as likely pathogenic.

Myriad Genetics, Inc.
Classification: Likely pathogenic for Glycogen storage disease, type II. Last evaluated: 2025-04-04. Review status: criteria provided, single submitter. Criteria: Myriad Autosomal Dominant, Autosomal Recessive and X-Linked Classification Criteria (2023). Collection method: clinical testing. Allele origin: unknown. Not counted in ClinVar's aggregate classification.
Comment: NM_000152.3(GAA):c.671G>A(R224Q) is a missense variant classified as likely pathogenic in the context of Pompe disease. R224Q has been observed in cases with relevant disease (PMID: 34995642, 28450385, 23000108, 37414610). Relevant functional assessments of this variant are available in the literature (PMID: 22644586, 23000108). R224Q has been observed in referenced population frequency databases. In summary, NM_000152.3(GAA):c.671G>A(R224Q) is a missense variant that has functional support for pathogenicity and has been observed more frequently in cases with the relevant disease than in healthy populations. Please note: this variant was assessed in the context of healthy population screening.

Revvity Omics, Revvity
Classification: Likely pathogenic. Last evaluated: 2024-08-16. Review status: criteria provided, single submitter. Criteria: ACMG Guidelines, 2015. Collection method: clinical testing. Allele origin: germline. Not counted in ClinVar's aggregate classification.

Fulgent Genetics
Classification: Likely pathogenic for Glycogen storage disease, type II. Last evaluated: 2024-03-29. Review status: criteria provided, single submitter. Criteria: ACMG Guidelines, 2015. Collection method: clinical testing. Allele origin: germline. Not counted in ClinVar's aggregate classification.

NM_000152.5(GAA):c.671G>A (p.Arg224Gln)

Gene: GAA (alpha glucosidase; plus strand). Cytogenetic location: 17q25.3.
Variant type: single nucleotide variant.
Coding change: c.671G>A on transcript NM_000152.5 (MANE Select); coding-DNA position 671, G replaced by A.
Protein change: p.Arg224Gln; replaces arginine 224 with glutamine.
Molecular consequence: missense variant.
Genome position (GRCh38, 1-based): chr17:80,105,873, G>A. VCF-style: chr17-80105873-G-A. GRCh37 (hg19) VCF-style: chr17-78079672-G-A.
Other names: NM_000152.5(GAA):c.671G>A; p.Arg224Gln; c.671G>A, p.Arg224Gln (NM_001079803.3, NM_001079804.3); c.671G>A (LRG_673t1); short protein forms R224Q.
Identifiers: ClinVar variation 664582 (VCV000664582.30), dbSNP rs200210219, ClinGen allele CA8814958.